The following is an entry in ClinVar:

ClinVar aggregate classification (germline): Uncertain significance (1 of 4 stars; one submission).

Conditions:
Hereditary nonpolyposis colorectal neoplasms. Identifiers: MedGen C0009405, MeSH D003123.

Submission:

Labcorp Genetics (formerly Invitae), Labcorp
Classification: Uncertain significance for Hereditary nonpolyposis colorectal neoplasms. Last evaluated: 2020-11-10. Review status: criteria provided, single submitter. Criteria: Invitae Variant Classification Sherloc (09022015). Collection method: clinical testing. Allele origin: germline.
Comment: This variant is not present in population databases (ExAC no frequency). In summary, the available evidence is currently insufficient to determine the role of this variant in disease. Therefore, it has been classified as a Variant of Uncertain Significance. This variant has not been reported in the literature in individuals with MSH6-related conditions. This sequence change creates a premature translational stop signal (p.Asp1346Lysfs*7) in the MSH6 gene. While this is not anticipated to result in nonsense mediated decay, it is expected to disrupt the last 15 amino acid(s) of the MSH6 protein.

NM_000179.3(MSH6):c.4035_4041del (p.Asp1346fs)

Gene: MSH6 (mutS homolog 6; plus strand). Cytogenetic location: 2p16.3.
Variant type: Deletion.
Coding change: c.4035_4041del on transcript NM_000179.3 (MANE Select); coding-DNA positions 4035 to 4041, 7 bases deleted (AGATGCT; older notation c.4035_4041delAGATGCT).
Protein change: p.Asp1346fs; shifts the reading frame from aspartic acid 1346.
Molecular consequence: frameshift variant.
Genome position (GRCh38, 1-based): chr2:47,806,812-47,806,818, AGATGCT deleted; deleting any 7 consecutive bases within chr2:47,806,811-47,806,818 gives the same sequence; the c. name uses the placement nearest the transcript's 3' end. VCF-style (leftmost placement, unchanged base first): chr2-47806810-GTAGATGC-G. GRCh37 (hg19) VCF-style: chr2-48033949-GTAGATGC-G.
Other names: c.3645_3651del, p.Asp1216fs (NM_001281492.2); c.3129_3135del, p.Asp1044fs (NM_001281493.2, NM_001281494.2); short protein forms D1044fs, D1346fs, D1216fs.
Identifiers: ClinVar variation 1348578 (VCV001348578.8), dbSNP rs2104582221, ClinGen allele CA2573134811.